The following is an entry in ClinVar:

ClinVar aggregate classification (germline): Uncertain significance (1 of 4 stars; one submission).

Allele frequency attached by ClinVar (database versions not stated): ExAC 0.00001.
gnomAD v4.1: 21 of 1,612,422 alleles (0.0013%); highest among the groups gnomAD compares: Middle Eastern, 0.04%; 1 homozygote.

Submission:

Labcorp Genetics (formerly Invitae), Labcorp
Classification: Uncertain significance. Last evaluated: 2023-01-16. Review status: criteria provided, single submitter. Criteria: Invitae Variant Classification Sherloc (09022015). Collection method: clinical testing. Allele origin: germline.
Comment: This sequence change replaces valine, which is neutral and non-polar, with methionine, which is neutral and non-polar, at codon 518 of the POLR1A protein (p.Val518Met). This variant is present in population databases (rs780248678, gnomAD 0.008%). This variant has not been reported in the literature in individuals affected with POLR1A-related conditions. Advanced modeling of protein sequence and biophysical properties (such as structural, functional, and spatial information, amino acid conservation, physicochemical variation, residue mobility, and thermodynamic stability) performed at Invitae indicates that this missense variant is not expected to disrupt POLR1A protein function. In summary, the available evidence is currently insufficient to determine the role of this variant in disease. Therefore, it has been classified as a Variant of Uncertain Significance.

NM_015425.6(POLR1A):c.1552G>A (p.Val518Met)

Gene: POLR1A (RNA polymerase I subunit A; minus strand). Cytogenetic location: 2p11.2.
Variant type: single nucleotide variant.
Coding change: c.1552G>A on transcript NM_015425.6 (MANE Select); coding-DNA position 1552, G replaced by A.
Protein change: p.Val518Met; replaces valine 518 with methionine.
Molecular consequence: missense variant.
Genome position (GRCh38, 1-based): chr2:86,075,089, C>T on the plus strand (G>A on the coding strand, the complement: POLR1A is on the minus strand). VCF-style: chr2-86075089-C-T. GRCh37 (hg19) VCF-style: chr2-86302212-C-T.
Other names: short protein forms V518M.
Identifiers: ClinVar variation 2715028 (VCV002715028.3), dbSNP rs780248678, ClinGen allele CA1746308.